The following is an entry in ClinVar:

NM_001036.6(RYR3):c.7442T>C (p.Met2481Thr)

Gene: RYR3 (ryanodine receptor 3; plus strand). Cytogenetic location: 15q14.
Variant type: single nucleotide variant.
Coding change: c.7442T>C on transcript NM_001036.6 (MANE Select); coding-DNA position 7442, T replaced by C.
Protein change: p.Met2481Thr; replaces methionine 2481 with threonine.
Molecular consequence: missense variant.
Genome position (GRCh38, 1-based): chr15:33,736,252, T>C. VCF-style: chr15-33736252-T-C. GRCh37 (hg19) VCF-style: chr15-34028453-T-C.
Other names: c.7442T>C, p.Met2481Thr (NM_001243996.4); short protein forms M2481T.
Identifiers: ClinVar variation 461946 (VCV000461946.8), dbSNP rs1400678942, ClinGen allele CA391579589.

ClinVar aggregate classification (germline): Uncertain significance (1 of 4 stars; one submission).

Conditions:
Epileptic encephalopathy. Identifiers: MedGen C0543888, HP:0200134.

Allele frequency attached by ClinVar (database versions not stated): gnomAD 0.00001; gnomAD exomes 0.00001 and below 0.00001; TOPMed below 0.00001.
gnomAD v4.1: 6 of 1,612,302 alleles (0.00037%); highest among the groups gnomAD compares: African/African-American, 0.0027%; no homozygotes.

Submission:

Labcorp Genetics (formerly Invitae), Labcorp
Classification: Uncertain significance for Epileptic encephalopathy. Last evaluated: 2020-01-21. Review status: criteria provided, single submitter. Criteria: Invitae Variant Classification Sherloc (09022015). Collection method: clinical testing. Allele origin: germline.
Comment: In summary, the available evidence is currently insufficient to determine the role of this variant in disease. Therefore, it has been classified as a Variant of Uncertain Significance. Algorithms developed to predict the effect of missense changes on protein structure and function (SIFT, PolyPhen-2, Align-GVGD) all suggest that this variant is likely to be disruptive, but these predictions have not been confirmed by published functional studies and their clinical significance is uncertain. This variant has not been reported in the literature in individuals with RYR3-related disease. This variant is not present in population databases (ExAC no frequency). This sequence change replaces methionine with threonine at codon 2481 of the RYR3 protein (p.Met2481Thr). The methionine residue is highly conserved and there is a moderate physicochemical difference between methionine and threonine.